The following is an entry in ClinVar:

ClinVar aggregate classification (germline): Uncertain significance. Review status: criteria provided, multiple submitters, no conflicts (2 of 4 stars). 3 submissions from 2 submitters: Uncertain significance (3). Last evaluated 2018-01-13.

Conditions:
Autosomal dominant cerebellar ataxia. Also called: Spinocerebellar Ataxia, Dominant. Identifiers: Orphanet 99, MedGen C4087347, MONDO:0020380.
Inborn genetic diseases. Identifiers: MedGen C0950123, MeSH D030342.
Charcot-Marie-Tooth disease axonal type 2O. Also called: CHARCOT-MARIE-TOOTH NEUROPATHY, AXONAL, TYPE 2O; CHARCOT-MARIE-TOOTH DISEASE, AXONAL, AUTOSOMAL DOMINANT, TYPE 2O; Charcot-Marie-Tooth disease, axonal, type 20; Charcot-Marie-Tooth Neuropathy Type 2O. Identifiers: Orphanet 284232, MedGen C3280220, MONDO:0013644, OMIM 614228.

Allele frequency attached by ClinVar (database versions not stated): TOPMed below 0.00001; gnomAD exomes 0.00005 and 0.00010; ExAC 0.00007; gnomAD 0.00015.
gnomAD v4.1: 89 of 1,614,036 alleles (0.0055%); highest among the groups gnomAD compares: Non-Finnish European, 0.00017%; 1 homozygote.

Submissions (3):

Illumina Laboratory Services, Illumina
Classification: Uncertain significance for Spinocerebellar Ataxia, Dominant. Last evaluated: 2018-01-13. Review status: criteria provided, single submitter. Criteria: ICSL Variant Classification Criteria 13 December 2019. Collection method: clinical testing. Allele origin: germline.

Illumina Laboratory Services, Illumina
Classification: Uncertain significance for Charcot-Marie-Tooth disease axonal type 2O. Last evaluated: 2018-01-13. Review status: criteria provided, single submitter. Criteria: ICSL Variant Classification Criteria 13 December 2019. Collection method: clinical testing. Allele origin: germline.

Ambry Genetics
Classification: Uncertain significance for Inborn genetic diseases. Last evaluated: 2017-07-24. Review status: criteria provided, single submitter. Criteria: Ambry Variant Classification Scheme 2023. Collection method: clinical testing. Allele origin: germline.
Comment: The p.I3789T variant (also known as c.11366T>C), located in coding exon 60 of the DYNC1H1 gene, results from a T to C substitution at nucleotide position 11366. The isoleucine at codon 3789 is replaced by threonine, an amino acid with similar properties. This amino acid position is not well conserved in available vertebrate species. In addition, this alteration is predicted to be tolerated by in silico analysis. Since supporting evidence is limited at this time, the clinical significance of this alteration remains unclear.

NM_001376.5(DYNC1H1):c.11366T>C (p.Ile3789Thr)

Gene: DYNC1H1 (dynein cytoplasmic 1 heavy chain 1; plus strand). Cytogenetic location: 14q32.31.
Variant type: single nucleotide variant.
Coding change: c.11366T>C on transcript NM_001376.5 (MANE Select); coding-DNA position 11366, T replaced by C.
Protein change: p.Ile3789Thr; replaces isoleucine 3789 with threonine.
Molecular consequence: missense variant.
Genome position (GRCh38, 1-based): chr14:102,039,160, T>C. VCF-style: chr14-102039160-T-C. GRCh37 (hg19) VCF-style: chr14-102505497-T-C.
Other names: short protein forms I3789T.
Identifiers: ClinVar variation 880799 (VCV000880799.6), dbSNP rs775444653, ClinGen allele CA7353576.